The following is an entry in ClinVar:

NM_206933.4(USH2A):c.3538G>T (p.Glu1180Ter)

Genes: USH2A (usherin; minus strand), USH2A-AS1 (USH2A antisense RNA 1; plus strand). Cytogenetic location: 1q41.
Variant type: single nucleotide variant.
Coding change: c.3538G>T on transcript NM_206933.4 (MANE Select); coding-DNA position 3538, G replaced by T.
Protein change: p.Glu1180Ter; replaces glutamic acid 1180 with a stop codon.
Molecular consequence: nonsense.
Genome position (GRCh38, 1-based): chr1:216,199,900, C>A on the plus strand (G>T on the coding strand, the complement: USH2A is on the minus strand). VCF-style: chr1-216199900-C-A. GRCh37 (hg19) VCF-style: chr1-216373242-C-A.
Other names: c.3538G>T, p.Glu1180Ter (NM_007123.6); short protein forms E1180*.
Identifiers: ClinVar variation 3664194 (VCV003664194.2).

ClinVar aggregate classification (germline): Pathogenic (1 of 4 stars; one submission).

Submission:

Labcorp Genetics (formerly Invitae), Labcorp
Classification: Pathogenic. Last evaluated: 2024-09-01. Review status: criteria provided, single submitter. Criteria: Invitae Variant Classification Sherloc (09022015). Collection method: clinical testing. Allele origin: germline.
Comment: This sequence change creates a premature translational stop signal (p.Glu1180*) in the USH2A gene. It is expected to result in an absent or disrupted protein product. Loss-of-function variants in USH2A are known to be pathogenic (PMID: 10729113, 10909849, 20507924, 25649381). This variant is not present in population databases (gnomAD no frequency). This variant has not been reported in the literature in individuals affected with USH2A-related conditions. For these reasons, this variant has been classified as Pathogenic.

Literature cited by the submitters: PubMed 10729113; PubMed 10909849; PubMed 20507924; PubMed 25649381.